The following is an entry in ClinVar:

NM_006015.6(ARID1A):c.4631C>T (p.Ser1544Leu)

Gene: ARID1A (AT-rich interaction domain 1A; plus strand). Cytogenetic location: 1p36.11.
Variant type: single nucleotide variant.
Coding change: c.4631C>T on transcript NM_006015.6 (MANE Select); coding-DNA position 4631, C replaced by T.
Protein change: p.Ser1544Leu; replaces serine 1544 with leucine.
Molecular consequence: missense variant. On other transcripts: intron variant (1).
Genome position (GRCh38, 1-based): chr1:26,774,858, C>T. VCF-style: chr1-26774858-C-T. GRCh37 (hg19) VCF-style: chr1-27101349-C-T.
Other names: c.4102-122C>T (NM_139135.4); short protein forms S1544L.
Identifiers: ClinVar variation 1031599 (VCV001031599.2), dbSNP rs1326693674, ClinGen allele CA339177153.

ClinVar aggregate classification (germline): Uncertain significance. Review status: criteria provided, multiple submitters, no conflicts (2 of 4 stars). 2 submissions from 2 submitters: Uncertain significance (2). Last evaluated 2025-11-28.

Conditions:
Intellectual disability, autosomal dominant 14 (CSS2). Also called: COFFIN-SIRIS SYNDROME 2. Identifiers: Orphanet 1465, MedGen C3553247, MONDO:0013819, OMIM 614607.

Allele frequency attached by ClinVar (database versions not stated): TOPMed below 0.00001; gnomAD 0.00001; gnomAD exomes 0.00001.

Submissions (2):

Labcorp Genetics (formerly Invitae), Labcorp
Classification: Uncertain significance. Last evaluated: 2025-11-28. Review status: criteria provided, single submitter. Criteria: Invitae Variant Classification Sherloc (09022015). Collection method: clinical testing. Allele origin: germline.
Comment: This sequence change replaces serine, which is neutral and polar, with leucine, which is neutral and non-polar, at codon 1544 of the ARID1A protein (p.Ser1544Leu). This variant is present in population databases (no rsID available, gnomAD 0.002%). This variant has not been reported in the literature in individuals affected with ARID1A-related conditions. ClinVar contains an entry for this variant (Variation ID: 1031599). Invitae Evidence Modeling of protein sequence and biophysical properties (such as structural, functional, and spatial information, amino acid conservation, physicochemical variation, residue mobility, and thermodynamic stability) indicates that this missense variant is expected to disrupt ARID1A protein function with a positive predictive value of 80%. In summary, the available evidence is currently insufficient to determine the role of this variant in disease. Therefore, it has been classified as a Variant of Uncertain Significance.

Baylor Genetics
Classification: Uncertain significance for Intellectual disability, autosomal dominant 14. Last evaluated: 2018-07-19. Review status: criteria provided, single submitter. Criteria: ACMG Guidelines, 2015. Collection method: clinical testing. Allele origin: maternal. Affected: yes.
Comment: This variant was determined to be of uncertain significance according to ACMG Guidelines, 2015 [PMID:25741868].